The following is an entry in ClinVar:

NM_001303052.2(MYT1L):c.2085C>G (p.Tyr695Ter)

Gene: MYT1L (myelin transcription factor 1 like; minus strand). Cytogenetic location: 2p25.3.
Variant type: single nucleotide variant.
Coding change: c.2085C>G on transcript NM_001303052.2 (MANE Select); coding-DNA position 2085, C replaced by G.
Protein change: p.Tyr695Ter; replaces tyrosine 695 with a stop codon.
Molecular consequence: nonsense.
Genome position (GRCh38, 1-based): chr2:1,892,235, G>C on the plus strand (C>G on the coding strand, the complement: MYT1L is on the minus strand). VCF-style: chr2-1892235-G-C. GRCh37 (hg19) VCF-style: chr2-1896007-G-C.
Other names: c.2085C>G, p.Tyr695Ter (NM_001329844.2, NM_001329845.1, NM_001329851.3); c.2079C>G, p.Tyr693Ter (NM_001329846.3, NM_001329847.2, NM_001329848.1 and 3 more transcripts); short protein forms Y693*, Y695*.
Identifiers: ClinVar variation 4854613 (VCV004854613.1).

ClinVar aggregate classification (germline): Pathogenic (1 of 4 stars; one submission).

Conditions:
Intellectual developmental disorder, autosomal dominant 39. Also called: Mental retardation, autosomal dominant 39; Intellectual disability, autosomal dominant 39. Identifiers: MedGen C4225296, MONDO:0014678, OMIM 616521.

Submission:

3billion
Classification: Pathogenic for Intellectual developmental disorder, autosomal dominant 39. Last evaluated: 2025-11-24. Review status: criteria provided, single submitter. Criteria: ACMG Guidelines, 2015. Collection method: clinical testing. Allele origin: germline. Affected: yes.
Comment: The variant is not observed in the gnomAD v4.1.0 dataset. Predicted Consequence/Location: Stop-gained (nonsense): predicted to result in a loss or disruption of normal protein function through nonsense-mediated decay (NMD) or protein truncation. Multiple pathogenic variants are reported downstream of the variant. Therefore, this variant is classified as Pathogenic according to the recommendation of ACMG/AMP guideline.